The following is an entry in ClinVar:

ClinVar aggregate classification (germline): Uncertain significance (1 of 4 stars; one submission).

Conditions:
Ehlers-Danlos syndrome, dermatosparaxis type. Also called: Dermatosparaxis; EDS VIIC; Ehlers-Danlos syndrome, type VII, autosomal recessive. Identifiers: Orphanet 1901, MedGen C2700425, MONDO:0009161, OMIM 225410.

Submission:

Labcorp Genetics (formerly Invitae), Labcorp
Classification: Uncertain significance for Ehlers-Danlos syndrome, dermatosparaxis type. Last evaluated: 2019-11-12. Review status: criteria provided, single submitter. Criteria: Invitae Variant Classification Sherloc (09022015). Collection method: clinical testing. Allele origin: germline.
Comment: In summary, the available evidence is currently insufficient to determine the role of this variant in disease. Therefore, it has been classified as a Variant of Uncertain Significance. Algorithms developed to predict the effect of missense changes on protein structure and function are either unavailable or do not agree on the potential impact of this missense change (SIFT: "Deleterious"; PolyPhen-2: "Probably Damaging"; Align-GVGD: "Class C0"). This variant has not been reported in the literature in individuals with ADAMTS2-related conditions. This variant is not present in population databases (ExAC no frequency). This sequence change replaces aspartic acid with asparagine at codon 176 of the ADAMTS2 protein (p.Asp176Asn). The aspartic acid residue is highly conserved and there is a small physicochemical difference between aspartic acid and asparagine.

NM_014244.5(ADAMTS2):c.526G>A (p.Asp176Asn)

Gene: ADAMTS2 (ADAM metallopeptidase with thrombospondin type 1 motif 2; minus strand). Cytogenetic location: 5q35.3.
Variant type: single nucleotide variant.
Coding change: c.526G>A on transcript NM_014244.5 (MANE Select); coding-DNA position 526, G replaced by A.
Protein change: p.Asp176Asn; replaces aspartic acid 176 with asparagine.
Molecular consequence: missense variant.
Genome position (GRCh38, 1-based): chr5:179,343,775, C>T on the plus strand (G>A on the coding strand, the complement: ADAMTS2 is on the minus strand). VCF-style: chr5-179343775-C-T. GRCh37 (hg19) VCF-style: chr5-178770776-C-T.
Other names: c.526G>A, p.Asp176Asn (NM_021599.4); short protein forms D176N.
Identifiers: ClinVar variation 965569 (VCV000965569.10), dbSNP rs1207222735, ClinGen allele CA362622277.